The following is an entry in ClinVar:

ClinVar aggregate classification (germline): Uncertain significance (1 of 4 stars; one submission).

Conditions:
Hereditary cancer-predisposing syndrome. Also called: Neoplastic Syndromes, Hereditary; Tumor predisposition; Hereditary neoplastic syndrome; Hereditary Cancer Syndrome. Identifiers: Orphanet 140162, MedGen C0027672, MeSH D009386, MONDO:0015356.

gnomAD v4.1: 2 of 1,613,396 alleles (0.00012%); highest among the groups gnomAD compares: Non-Finnish European, 0.00017%; no homozygotes.

Submission:

Ambry Genetics
Classification: Uncertain significance for Hereditary cancer-predisposing syndrome. Last evaluated: 2025-04-01. Review status: criteria provided, single submitter. Criteria: Ambry Variant Classification Scheme 2023. Collection method: clinical testing. Allele origin: germline.
Comment: The p.G223S variant (also known as c.667G>A), located in coding exon 1 of the ALK gene, results from a G to A substitution at nucleotide position 667. The amino acid change results in glycine to serine at codon 223, an amino acid with similar properties. However, this change occurs in the last base pair of coding exon 1, which makes it likely to have some effect on normal mRNA splicing. This nucleotide position is highly conserved in available vertebrate species. This amino acid position is well conserved in available vertebrate species. In silico splice site analysis predicts that this alteration will weaken the native splice donor site. In addition, as a missense substitution this alteration is predicted to be tolerated by in silico analysis. Based on the available evidence, the clinical significance of this variant remains unclear.

NM_004304.5(ALK):c.667G>A (p.Gly223Ser)

Gene: ALK (ALK receptor tyrosine kinase; minus strand). Cytogenetic location: 2p23.1.
Variant type: single nucleotide variant.
Coding change: c.667G>A on transcript NM_004304.5 (MANE Select); coding-DNA position 667, G replaced by A.
Protein change: p.Gly223Ser; replaces glycine 223 with serine.
Molecular consequence: missense variant.
Genome position (GRCh38, 1-based): chr2:29,919,993, C>T on the plus strand (G>A on the coding strand, the complement: ALK is on the minus strand). VCF-style: chr2-29919993-C-T. GRCh37 (hg19) VCF-style: chr2-30142859-C-T.
Other names: short protein forms G223S.
Identifiers: ClinVar variation 4040196 (VCV004040196.1).